The following is an entry in ClinVar:

NM_000051.4(ATM):c.1776C>T (p.Ser592=)

Gene: ATM (ATM serine/threonine kinase; plus strand). Cytogenetic location: 11q22.3.
Variant type: single nucleotide variant.
Coding change: c.1776C>T on transcript NM_000051.4 (MANE Select); coding-DNA position 1776, C replaced by T.
Protein change: p.Ser592=; no amino-acid change (serine 592 retained).
Molecular consequence: synonymous variant.
Genome position (GRCh38, 1-based): chr11:108,252,005, C>T. VCF-style: chr11-108252005-C-T. GRCh37 (hg19) VCF-style: chr11-108122732-C-T.
Other names: c.1776C>T, p.Ser592= (NM_001351834.2).
Identifiers: ClinVar variation 391965 (VCV000391965.13), dbSNP rs1057524304, ClinGen allele CA16605762.

ClinVar aggregate classification (germline): Benign/Likely benign. Review status: criteria provided, multiple submitters, no conflicts (2 of 4 stars). 4 submissions from 4 submitters: Benign (1); Likely benign (3). Last evaluated 2025-11-13.

Conditions:
Hereditary cancer-predisposing syndrome. Also called: Neoplastic Syndromes, Hereditary; Hereditary neoplastic syndrome; Tumor predisposition; Hereditary Cancer Syndrome. Identifiers: Orphanet 140162, MedGen C0027672, MeSH D009386, MONDO:0015356.
Familial cancer of breast. Also called: BREAST CANCER, FAMILIAL; hereditary breast carcinoma; Hereditary breast cancer. Identifiers: Orphanet 227535, MedGen C0346153, MONDO:0016419, OMIM 114480. Disease mechanism: loss of function.
Ataxia-telangiectasia syndrome (AT). Also called: AT, COMPLEMENTATION GROUP C; ATAXIA-TELANGIECTASIA, COMPLEMENTATION GROUP A; ATAXIA-TELANGIECTASIA, FRESNO VARIANT; LOUIS-BAR SYNDROME; Ataxia-telangiectasia; Cerebello-oculocutaneous telangiectasia. Identifiers: Orphanet 100, MedGen C0004135, MONDO:0008840, OMIM 208900.

Submissions (4):

Labcorp Genetics (formerly Invitae), Labcorp
Classification: Likely benign for Ataxia-telangiectasia syndrome. Last evaluated: 2025-11-13. Review status: criteria provided, single submitter. Criteria: Invitae Variant Classification Sherloc (09022015). Collection method: clinical testing. Allele origin: germline.

Myriad Genetics, Inc.
Classification: Benign for Familial cancer of breast. Last evaluated: 2024-05-01. Review status: criteria provided, single submitter. Criteria: Myriad Autosomal Dominant, Autosomal Recessive and X-Linked Classification Criteria (2023). Collection method: clinical testing. Allele origin: unknown.
Comment: This variant is considered benign. This variant is a silent/synonymous amino acid change and it is not expected to impact splicing.

Ambry Genetics
Classification: Likely benign for Hereditary cancer-predisposing syndrome. Last evaluated: 2022-11-26. Review status: criteria provided, single submitter. Criteria: Ambry Variant Classification Scheme 2023. Collection method: clinical testing. Allele origin: germline.

GeneDx
Classification: Likely benign. Last evaluated: 2016-12-14. Review status: criteria provided, single submitter. Criteria: GeneDx Variant Classification (06012015). Collection method: clinical testing. Allele origin: germline. Affected: yes.
Comment: This variant is considered likely benign or benign based on one or more of the following criteria: it is a conservative change, it occurs at a poorly conserved position in the protein, it is predicted to be benign by multiple in silico algorithms, and/or has population frequency not consistent with disease.